The following is an entry in ClinVar:

NM_001378328.1(CELSR1):c.7422C>T (p.Ala2474=)

Genes: CELSR1 (cadherin EGF LAG seven-pass G-type receptor 1; minus strand), LOC121627952 (CDK7 strongly-dependent group 2 enhancer GRCh37_chr22:46772879-46774078; plus strand). Cytogenetic location: 22q13.31.
Variant type: single nucleotide variant.
Coding change: c.7422C>T on transcript NM_001378328.1 (MANE Select); coding-DNA position 7422, C replaced by T.
Protein change: p.Ala2474=; no amino-acid change (alanine 2474 retained).
Molecular consequence: synonymous variant.
Genome position (GRCh38, 1-based): chr22:46,377,223, G>A on the plus strand (C>T on the coding strand, the complement: CELSR1 is on the minus strand). VCF-style: chr22-46377223-G-A. GRCh37 (hg19) VCF-style: chr22-46773120-G-A.
Other names: c.7422C>T, p.Ala2474= (NM_014246.4); c.7422C>T (NM_014246.1).
Identifiers: ClinVar variation 2653318 (VCV002653318.25), dbSNP rs143291524, ClinGen allele CA10293364.

ClinVar aggregate classification (germline): Likely benign. Review status: criteria provided, single submitter (1 of 4 stars). 2 submissions from 2 submitters: Likely benign (1). 1 of the submissions does not count toward it. Last evaluated 2025-06-01.

Conditions:
CELSR1-related disorder. Also called: CELSR1-related condition.

Allele frequency attached by ClinVar (database versions not stated): 1000 Genomes Project 0.00160; 1000 Genomes Project 30x 0.00187; TOPMed 0.00330; ESP Exome Variant Server 0.00408; gnomAD 0.00419; ExAC 0.00596.
gnomAD v4.1: 8,680 of 1,614,012 alleles (0.54%); highest among the groups gnomAD compares: Non-Finnish European, 0.65%; 46 homozygotes.

Submissions (2):

CeGaT Center for Human Genetics Tuebingen
Classification: Likely benign. Last evaluated: 2025-06-01. Review status: criteria provided, single submitter. Criteria: CeGaT Center For Human Genetics Tuebingen Variant Classification Criteria Version 2. Collection method: clinical testing. Allele origin: germline. Affected: yes. Observed: 7 variant alleles.
Comment: CELSR1: BP4, BP7, BS2

PreventionGenetics, part of Exact Sciences
Classification: Likely benign for CELSR1-related condition. Last evaluated: 2019-03-27. Review status: no assertion criteria provided. Collection method: clinical testing. Allele origin: germline. Not counted in ClinVar's aggregate classification.
Comment: This variant is classified as likely benign based on ACMG/AMP sequence variant interpretation guidelines (Richards et al. 2015 PMID: 25741868, with internal and published modifications).